The following is an entry in ClinVar:

ClinVar aggregate classification (germline): Uncertain significance. Review status: criteria provided, multiple submitters, no conflicts (2 of 4 stars). 2 submissions from 2 submitters: Uncertain significance (2). Last evaluated 2025-04-01.

Conditions:
Inborn genetic diseases. Identifiers: MedGen C0950123, MeSH D030342.

Allele frequency attached by ClinVar (database versions not stated): gnomAD exomes 0.00001.
gnomAD v4.1: 9 of 1,613,954 alleles (0.00056%); highest among the groups gnomAD compares: Non-Finnish European, 0.00076%; no homozygotes.

Submissions (2):

Ambry Genetics
Classification: Uncertain significance for Inborn genetic diseases. Last evaluated: 2025-04-01. Review status: criteria provided, single submitter. Criteria: Ambry Variant Classification Scheme 2023. Collection method: clinical testing. Allele origin: germline.

GeneDx
Classification: Uncertain significance. Last evaluated: 2023-11-17. Review status: criteria provided, single submitter. Criteria: GeneDx Variant Classification Process June 2021. Collection method: clinical testing. Allele origin: germline. Affected: yes.
Comment: Not observed at significant frequency in large population cohorts (gnomAD); In silico analysis supports that this missense variant has a deleterious effect on protein structure/function; Has not been previously published as pathogenic or benign to our knowledge

NM_001080517.3(SETD5):c.1840C>T (p.Arg614Trp)

Gene: SETD5 (SET domain containing 5; plus strand). Cytogenetic location: 3p25.3.
Variant type: single nucleotide variant.
Coding change: c.1840C>T on transcript NM_001080517.3 (MANE Select); coding-DNA position 1840, C replaced by T.
Protein change: p.Arg614Trp; replaces arginine 614 with tryptophan.
Molecular consequence: missense variant.
Genome position (GRCh38, 1-based): chr3:9,447,743, C>T. VCF-style: chr3-9447743-C-T. GRCh37 (hg19) VCF-style: chr3-9489427-C-T.
Other names: c.1546C>T, p.Arg516Trp (NM_001292043.2, NM_001349451.2); short protein forms R516W, R614W.
Identifiers: ClinVar variation 3253056 (VCV003253056.2), dbSNP rs2472966094.
Genomic context (GRCh38, chr3:9,447,743, plus strand): 5'-CAGGATATTGCTGCAGAAAAACTAGTCCCCAAGCCACCTCCAGCAAAGCCTTCTAGGCCC[C>T]GGCCGAAGAGTCGAATTTCTCGGTACAGGACCAGTTCAGCCCAAAGACTAAAGCGTCAGA-3'
Protein context (NP_001073986.1, residues 604-624): KPPPAKPSRP[Arg614Trp]PKSRISRYRT